The following is an entry in ClinVar:

NM_000268.4(NF2):c.260C>G (p.Ser87Ter)

Gene: NF2 (NF2, moesin-ezrin-radixin like (MERLIN) tumor suppressor; plus strand). Cytogenetic location: 22q12.2.
Variant type: single nucleotide variant.
Coding change: c.260C>G on transcript NM_000268.4 (MANE Select); coding-DNA position 260, C replaced by G.
Protein change: p.Ser87Ter; replaces serine 87 with a stop codon.
Molecular consequence: nonsense. On other transcripts: 5 prime UTR variant (1), intron variant (8).
Genome position (GRCh38, 1-based): chr22:29,639,109, C>G. VCF-style: chr22-29639109-C-G. GRCh37 (hg19) VCF-style: chr22-30035098-C-G.
Other names: c.146C>G, p.Ser49Ter (NM_001407053.1, NM_001407056.1); c.134C>G, p.Ser45Ter (NM_001407055.1, NM_181828.3); c.260C>G, p.Ser87Ter (NM_001407057.1, NM_001407059.1, NM_001407060.1 and 5 more transcripts); c.-381C>G (NM_001407065.1); c.29C>G, p.Ser10Ter (NM_001407067.1); c.240+2233C>G (NM_001407058.1, NM_181829.3, NM_001407054.1 and 1 more transcripts); c.115-3093C>G (NM_001407063.1, NM_181830.3, NM_001407064.1 and 1 more transcripts); short protein forms S10*, S87*, S45*, S49*.
Identifiers: ClinVar variation 3724325 (VCV003724325.2).

ClinVar aggregate classification (germline): Pathogenic (1 of 4 stars; one submission).

Conditions:
Neurofibromatosis, type 2 (SWNV). Also called: BILATERAL ACOUSTIC NEUROFIBROMATOSIS; NF2-Related Schwannomatosis; SCHWANNOMATOSIS, VESTIBULAR. Identifiers: Orphanet 637, MedGen C0027832, MONDO:0007039, OMIM 101000. Disease mechanism: loss of function.

Submission:

Labcorp Genetics (formerly Invitae), Labcorp
Classification: Pathogenic for Neurofibromatosis, type 2. Last evaluated: 2025-01-22. Review status: criteria provided, single submitter. Criteria: Invitae Variant Classification Sherloc (09022015). Collection method: clinical testing. Allele origin: germline.
Comment: This sequence change creates a premature translational stop signal (p.Ser87*) in the NF2 gene. It is expected to result in an absent or disrupted protein product. Loss-of-function variants in NF2 are known to be pathogenic (PMID: 9643284, 16983642). This variant is not present in population databases (gnomAD no frequency). This variant has not been reported in the literature in individuals affected with NF2-related conditions. For these reasons, this variant has been classified as Pathogenic.

Literature cited by the submitters: PubMed 9643284; PubMed 16983642.